The following is an entry in ClinVar:

ClinVar aggregate classification (germline): Benign/Likely benign. Review status: criteria provided, multiple submitters, no conflicts (2 of 4 stars). 5 submissions from 5 submitters: Benign (3); Likely benign (2). Last evaluated 2026-06-25.

Conditions:
PLCG2-related disorder. Also called: PLCG2-related condition.
Familial cold autoinflammatory syndrome 3 (FCAS3). Also called: FAMILIAL ATYPICAL COLD URTICARIA; ANTIBODY DEFICIENCY AND IMMUNE DYSREGULATION, PLCG2-ASSOCIATED. Identifiers: Orphanet 300359, MedGen C3280914, MONDO:0013766, OMIM 614468.
Autoinflammation-PLCG2-associated antibody deficiency-immune dysregulation. Also called: Autoinflammation, antibody deficiency, and immune dysregulation, plcg2-associated; Autoinflammation, antibody deficiency, and immune dysregulation syndrome; AUTOINFLAMMATION, ANTIBODY DEFICIENCY, AND IMMUNE DYSREGULATION. Identifiers: Orphanet 324530, MedGen C3553961, MONDO:0013944, OMIM 614878.

Allele frequency attached by ClinVar (database versions not stated): ESP Exome Variant Server 0.00008; gnomAD 0.00035; TOPMed 0.00038; 1000 Genomes Project 30x 0.00219; 1000 Genomes Project 0.00280.
gnomAD v4.1: 1,031 of 1,613,134 alleles (0.064%); highest among the groups gnomAD compares: East Asian, 1.9%; 17 homozygotes.

Submissions (5):

PreventionGenetics, part of Exact Sciences
Classification: Benign for PLCG2-related condition. Last evaluated: 2026-06-25. Review status: criteria provided, single submitter. Criteria: ACMG Guidelines, 2015. Collection method: clinical testing. Allele origin: germline.
Comment: This variant is classified as benign based on ACMG/AMP sequence variant interpretation guidelines (Richards et al. 2015 PMID: 25741868, with internal and published modifications).

Labcorp Genetics (formerly Invitae), Labcorp
Classification: Benign for Familial cold autoinflammatory syndrome 3. Last evaluated: 2026-01-11. Review status: criteria provided, single submitter. Criteria: Invitae Variant Classification Sherloc (09022015). Collection method: clinical testing. Allele origin: germline.

Laboratory of Genetics, Children's Clinical University Hospital Latvia
Classification: Likely benign. Last evaluated: 2025-02-16. Review status: criteria provided, single submitter. Criteria: ACMG Guidelines, 2015. Collection method: clinical testing. Allele origin: germline. Affected: yes.

CeGaT Center for Human Genetics Tuebingen
Classification: Benign. Last evaluated: 2023-10-01. Review status: criteria provided, single submitter. Criteria: CeGaT Center For Human Genetics Tuebingen Variant Classification Criteria Version 2. Collection method: clinical testing. Allele origin: germline. Affected: yes. Observed: 2 variant alleles.
Comment: PLCG2: BP4, BP7, BS1, BS2

Fulgent Genetics
Classification: Likely benign for Familial cold autoinflammatory syndrome 3; Autoinflammation-PLCG2-associated antibody deficiency-immune dysregulation. Last evaluated: 2021-08-24. Review status: criteria provided, single submitter. Criteria: ACMG Guidelines, 2015. Collection method: clinical testing. Allele origin: unknown.

NM_002661.5(PLCG2):c.1959C>T (p.Arg653=)

Gene: PLCG2 (phospholipase C gamma 2; plus strand). Cytogenetic location: 16q23.3.
Variant type: single nucleotide variant.
Coding change: c.1959C>T on transcript NM_002661.5 (MANE Select); coding-DNA position 1959, C replaced by T.
Protein change: p.Arg653=; no amino-acid change (arginine 653 retained).
Molecular consequence: synonymous variant.
Genome position (GRCh38, 1-based): chr16:81,912,621, C>T. VCF-style: chr16-81912621-C-T. GRCh37 (hg19) VCF-style: chr16-81946226-C-T.
Identifiers: ClinVar variation 786755 (VCV000786755.45), dbSNP rs117835631, ClinGen allele CA8194026.